The following is an entry in ClinVar:

NM_001393769.1(MED12L):c.3494G>A (p.Arg1165Gln)

Genes: MED12L (mediator complex subunit 12L; plus strand), P2RY12 (purinergic receptor P2Y12; minus strand). Cytogenetic location: 3q25.1.
Variant type: single nucleotide variant.
Coding change: c.3494G>A on transcript NM_001393769.1 (MANE Select); coding-DNA position 3494, G replaced by A.
Protein change: p.Arg1165Gln; replaces arginine 1165 with glutamine.
Molecular consequence: missense variant. On other transcripts: intron variant (1).
Genome position (GRCh38, 1-based): chr3:151,368,195, G>A. VCF-style: chr3-151368195-G-A. GRCh37 (hg19) VCF-style: chr3-151085983-G-A.
Other names: c.3389G>A, p.Arg1130Gln (NM_053002.6); c.-180+16497C>T (NM_022788.5); short protein forms R1130Q, R1165Q.
Identifiers: ClinVar variation 3376312 (VCV003376312.1).

ClinVar aggregate classification (germline): Uncertain significance (1 of 4 stars; one submission).

Conditions:
Nizon-Isidor syndrome. Identifiers: MedGen C5394350, MONDO:0030030, OMIM 618872.

gnomAD v4.1: 1 of 1,614,042 alleles (0.000062%); highest among the groups gnomAD compares: Non-Finnish European, 0.000085%; no homozygotes.

Submission:

Pittsburgh Clinical Genomics Laboratory, University of Pittsburgh Medical Center
Classification: Uncertain significance for Nizon-Isidor syndrome. Last evaluated: 2023-07-03. Review status: criteria provided, single submitter. Criteria: ACMG Guidelines, 2015. Collection method: clinical testing. Allele origin: germline. Inheritance: Autosomal dominant inheritance. Affected: yes.
Comment: This sequence variant is a single nucleotide substitution (G>A) at position 3389 of the coding sequence of the MED12L gene that results in an arginine to glutamine amino acid change at residue 1130 of the mediator complex subunit 12L protein. This variant is absent from ClinVar and has not been reported in an individual affected by a MED12L-related disorder in the published literature, to our knowledge. This variant is absent from the gnomAD population database (0 of approximately 250,000 alleles). Multiple bioinformatic tools predict that this arginine to glutamine amino acid change would be neutral, and the arginine residue at this position is highly conserved across the vertebrate species examined. Studies examining the functiol consequence of this variant have not been published, to our knowledge. At this time, there is insufficient evidence to determine if this variant is pathogenic or benign. Therefore, we consider this a variant of uncertain significance. ACMG Criteria: PM2, PP3